The following is an entry in ClinVar:

ClinVar aggregate classification (germline): Uncertain significance. Review status: criteria provided, multiple submitters, no conflicts (2 of 4 stars). 2 submissions from 2 submitters: Uncertain significance (2). Last evaluated 2026-04-29.

Conditions:
Hereditary cancer-predisposing syndrome. Also called: Neoplastic Syndromes, Hereditary; Tumor predisposition; Hereditary Cancer Syndrome; Hereditary neoplastic syndrome. Identifiers: Orphanet 140162, MedGen C0027672, MeSH D009386, MONDO:0015356.
Multiple endocrine neoplasia, type 2 (MEN2). Identifiers: Orphanet 653, MedGen C4048306, MONDO:0019003. Disease mechanism: gain of function.

Submissions (2):

Ambry Genetics
Classification: Uncertain significance for Hereditary cancer-predisposing syndrome. Last evaluated: 2026-04-29. Review status: criteria provided, single submitter. Criteria: Ambry Variant Classification Scheme 2023. Collection method: clinical testing. Allele origin: germline.
Comment: The p.P992Q variant (also known as c.2975C>A), located in coding exon 18 of the RET gene, results from a C to A substitution at nucleotide position 2975. The proline at codon 992 is replaced by glutamine, an amino acid with similar properties. This amino acid position is well conserved in available vertebrate species. In addition, the in silico prediction for this alteration is inconclusive. Based on the available evidence, the clinical significance of this variant remains unclear.

Labcorp Genetics (formerly Invitae), Labcorp
Classification: Uncertain significance for Multiple endocrine neoplasia, type 2. Last evaluated: 2022-07-10. Review status: criteria provided, single submitter. Criteria: Invitae Variant Classification Sherloc (09022015). Collection method: clinical testing. Allele origin: germline.
Comment: This sequence change replaces proline, which is neutral and non-polar, with glutamine, which is neutral and polar, at codon 992 of the RET protein (p.Pro992Gln). This variant is not present in population databases (gnomAD no frequency). This variant has not been reported in the literature in individuals affected with RET-related conditions. Algorithms developed to predict the effect of missense changes on protein structure and function are either unavailable or do not agree on the potential impact of this missense change (SIFT: "Deleterious"; PolyPhen-2: "Probably Damaging"; Align-GVGD: "Class C0"). In summary, the available evidence is currently insufficient to determine the role of this variant in disease. Therefore, it has been classified as a Variant of Uncertain Significance.

NM_020975.6(RET):c.2975C>A (p.Pro992Gln)

Gene: RET (ret proto-oncogene; plus strand). Cytogenetic location: 10q11.21.
Variant type: single nucleotide variant.
Coding change: c.2975C>A on transcript NM_020975.6 (MANE Select); coding-DNA position 2975, C replaced by A.
Protein change: p.Pro992Gln; replaces proline 992 with glutamine.
Molecular consequence: missense variant.
Genome position (GRCh38, 1-based): chr10:43,124,918, C>A. VCF-style: chr10-43124918-C-A. GRCh37 (hg19) VCF-style: chr10-43620366-C-A.
Other names: c.2975C>A, p.Pro992Gln (NM_000323.2, NM_001406743.1, NM_001406744.1 and 4 more transcripts); c.2213C>A, p.Pro738Gln (NM_001355216.2); c.2846C>A, p.Pro949Gln (NM_001406761.1, NM_001406762.1, NM_001406764.1); c.2840C>A, p.Pro947Gln (NM_001406763.1, NM_001406765.1); c.2687C>A, p.Pro896Gln (NM_001406766.1, NM_001406767.1, NM_001406770.1); c.2249C>A, p.Pro750Gln (NM_001406777.1, NM_001406778.1, NM_001406775.1 and 1 more transcripts); c.2078C>A, p.Pro693Gln (NM_001406779.1, NM_001406780.1, NM_001406781.1 and 1 more transcripts); c.1949C>A, p.Pro650Gln (NM_001406783.1, NM_001406786.1); and 10 more; short protein forms P648Q, P693Q, P738Q, P992Q, P650Q, P653Q, P904Q, P509Q.
Identifiers: ClinVar variation 2015654 (VCV002015654.5), dbSNP rs758191409, ClinGen allele CA376558106.